The following is an entry in ClinVar:

NM_001009944.3(PKD1):c.11538-51_11554del

Genes: PKD1 (polycystin 1, transient receptor potential channel interacting; minus strand), PKD1-AS1 (PKD1 antisense RNA 1; plus strand). Cytogenetic location: 16p13.3.
Variant type: Deletion.
Coding change: c.11538-51_11554del on transcript NM_001009944.3 (MANE Select); 51 bases into the intron before coding-DNA position 11538 through coding-DNA position 11554, 68 bases deleted.
Molecular consequence: splice acceptor variant.
Genome position (GRCh38, 1-based): chr16:2,091,581-2,091,648, 68 bases deleted. GRCh37 (hg19): chr16:2,141,584-2,141,651.
Other names: c.11535-51_11551del (NM_000296.4).
Identifiers: ClinVar variation 3236350 (VCV003236350.1), dbSNP rs2544615546, ClinGen allele CA2825002352.

ClinVar aggregate classification (germline): Pathogenic (1 of 4 stars; one submission).

Conditions:
Polycystic kidney disease, adult type (PKD1). Also called: Polycystic Kidney Disease 1, Autosomal Dominant; Polycystic kidney disease 1; Polycystic kidney disease 1, severe; Polycystic Kidney, Autosomal Dominant; POLYCYSTIC KIDNEY DISEASE 1 WITH OR WITHOUT POLYCYSTIC LIVER DISEASE; POLYCYSTIC KIDNEY DISEASE, ADULT, TYPE I. Identifiers: MedGen C3149841, MONDO:0008263, OMIM 173900.

Submission:

MVZ Medizinische Genetik Mainz
Classification: Pathogenic for Polycystic kidney disease, adult type. Last evaluated: 2024-03-12. Review status: criteria provided, single submitter. Criteria: UK Practice Guidelines For Variant Classification V4 01 2020. Collection method: clinical testing. Allele origin: germline. Inheritance: Autosomal dominant inheritance. Affected: yes. Observed: 1 variant allele.
Comment: ACMG Criteria: PVS1,PM2_SUP,PP4